The following is an entry in ClinVar:

NM_001164508.2(NEB):c.9767A>G (p.Tyr3256Cys)

Gene: NEB (nebulin; minus strand). Cytogenetic location: 2q23.3.
Variant type: single nucleotide variant.
Coding change: c.9767A>G on transcript NM_001164508.2 (MANE Select); coding-DNA position 9767, A replaced by G.
Protein change: p.Tyr3256Cys; replaces tyrosine 3256 with cysteine.
Molecular consequence: missense variant.
Genome position (GRCh38, 1-based): chr2:151,629,603, T>C on the plus strand (A>G on the coding strand, the complement: NEB is on the minus strand). VCF-style: chr2-151629603-T-C. GRCh37 (hg19) VCF-style: chr2-152486117-T-C.
Other names: c.9767A>G, p.Tyr3256Cys (NM_001164507.2, NM_001271208.2); c.9038A>G, p.Tyr3013Cys (NM_004543.5); short protein forms Y3256C, Y3013C.
Identifiers: ClinVar variation 574138 (VCV000574138.6), dbSNP rs1365723573, ClinGen allele CA348798144.
Genomic context (GRCh38, chr2:151,629,603, plus strand): 5'-CTGATAACGTCCCTGGAGGCCTTGGCAGCCACGATGGGGATGGCGTCACTTCGCAAGTCG[T>C]AGCCTTTCTTTTTTGCTTCTTCATTGGCAAGTTTGTATAGAGTCTATGAAAAGAAAGGCA-3'
Protein context (NP_001157980.2, residues 3246-3266): LANEEAKKKG[Tyr3256Cys]DLRSDAIPIV

ClinVar aggregate classification (germline): Uncertain significance (1 of 4 stars; one submission).

Conditions:
Nemaline myopathy 2 (NEM2). Also called: Nemaline myopathy 2, autosomal recessive. Identifiers: MedGen C1850569, MONDO:0009725, OMIM 256030.

Allele frequency attached by ClinVar (database versions not stated): gnomAD exomes below 0.00001; TOPMed below 0.00001; gnomAD 0.00001.
gnomAD v4.1: 4 of 1,613,724 alleles (0.00025%); highest among the groups gnomAD compares: Non-Finnish European, 0.00034%; no homozygotes.

Submission:

Labcorp Genetics (formerly Invitae), Labcorp
Classification: Uncertain significance for Nemaline myopathy 2. Last evaluated: 2018-04-25. Review status: criteria provided, single submitter. Criteria: Invitae Variant Classification Sherloc (09022015). Collection method: clinical testing. Allele origin: germline.
Comment: This sequence change replaces tyrosine with cysteine at codon 3256 of the NEB protein (p.Tyr3256Cys). The tyrosine residue is moderately conserved and there is a large physicochemical difference between tyrosine and cysteine. This variant is not present in population databases (ExAC no frequency). This variant has not been reported in the literature in individuals with NEB-related disease. Algorithms developed to predict the effect of missense changes on protein structure and function do not agree on the potential impact of this missense change (SIFT: "Deleterious"; Align-GVGD: "Class C0"). In summary, the available evidence is currently insufficient to determine the role of this variant in disease. Therefore, it has been classified as a Variant of Uncertain Significance.